The following is an entry in ClinVar:

ClinVar aggregate classification (germline): Uncertain significance (1 of 4 stars; one submission).

Conditions:
Primary ciliary dyskinesia. Also called: Ciliary dyskinesia. Identifiers: Orphanet 244, MedGen C0008780, MONDO:0016575, HP:0012265.

Submission:

Labcorp Genetics (formerly Invitae), Labcorp
Classification: Uncertain significance for Primary ciliary dyskinesia. Last evaluated: 2025-08-04. Review status: criteria provided, single submitter. Criteria: Invitae Variant Classification Sherloc (09022015). Collection method: clinical testing. Allele origin: germline.
Comment: This sequence change replaces glutamine, which is neutral and polar, with proline, which is neutral and non-polar, at codon 520 of the DRC1 protein (p.Gln520Pro). This variant is not present in population databases (gnomAD no frequency). This variant has not been reported in the literature in individuals affected with DRC1-related conditions. An algorithm developed to predict the effect of missense changes on protein structure and function (PolyPhen-2) suggests that this variant is likely to be tolerated. In summary, the available evidence is currently insufficient to determine the role of this variant in disease. Therefore, it has been classified as a Variant of Uncertain Significance.

NM_145038.5(DRC1):c.1559A>C (p.Gln520Pro)

Gene: DRC1 (dynein regulatory complex subunit 1; plus strand). Cytogenetic location: 2p23.3.
Variant type: single nucleotide variant.
Coding change: c.1559A>C on transcript NM_145038.5 (MANE Select); coding-DNA position 1559, A replaced by C.
Protein change: p.Gln520Pro; replaces glutamine 520 with proline.
Molecular consequence: missense variant.
Genome position (GRCh38, 1-based): chr2:26,450,045, A>C. VCF-style: chr2-26450045-A-C. GRCh37 (hg19) VCF-style: chr2-26672913-A-C.
Other names: short protein forms Q520P.
Identifiers: ClinVar variation 4724343 (VCV004724343.1).
Genomic context (GRCh38, chr2:26,450,045, plus strand): 5'-CTTCTCCCCAGGGGTTCCTCATAGAGAGCAAGCTGCTGAGCCTTCTCCTGCCCCTGGAGC[A>C]GAATGAATGCTATCTGCTGAGGCTGGATGCCATCTTCTCCGTGAGTCCAACGGGGCTGGG-3'
Protein context (NP_659475.2, residues 510-530): KLLSLLLPLE[Gln520Pro]NECYLLRLDA